The following is an entry in ClinVar:

NC_000010.11:g.(?_14939800)_(14945199_?)del

Genes: DCLRE1C (DNA cross-link repair 1C; minus strand), LOC130003417 (ATAC-STARR-seq lymphoblastoid active region 3087; plus strand). Cytogenetic location: 10p13.
Variant type: Deletion.
Identifiers: ClinVar variation 660671 (VCV000660671.7).

ClinVar aggregate classification (germline): Pathogenic (1 of 4 stars; one submission).

Conditions:
Severe combined immunodeficiency due to DCLRE1C deficiency (RS-SCID). Also called: SCID, AUTOSOMAL RECESSIVE, T CELL-NEGATIVE, B CELL-NEGATIVE, NK CELL-POSITIVE, WITH SENSITIVITY TO IONIZING RADIATION. Identifiers: Orphanet 275, MedGen C1865371, MONDO:0011225, OMIM 602450.

Submission:

Labcorp Genetics (formerly Invitae), Labcorp
Classification: Pathogenic for Athabaskan severe combined immunodeficiency. Last evaluated: 2022-10-13. Review status: criteria provided, single submitter. Criteria: Invitae Variant Classification Sherloc (09022015). Collection method: clinical testing. Allele origin: germline.
Comment: This variant has not been reported in the literature in individuals affected with DCLRE1C-related conditions. For these reasons, this variant has been classified as Pathogenic. This variant is a gross deletion of the genomic region encompassing exon(s) 3-4 of the DCLRE1C gene. This deletion is out-of-frame, and is expected to create a premature termination codon and result in an absent or disrupted protein product. Loss-of-function variants in DCLRE1C are known to be pathogenic (PMID: 21664875, 26123418).

Literature cited by the submitters: PubMed 21664875; PubMed 26123418.